The following is an entry in ClinVar:

ClinVar aggregate classification (germline): Pathogenic. Review status: criteria provided, multiple submitters, no conflicts (2 of 4 stars). 4 submissions from 4 submitters: Pathogenic (4). Last evaluated 2022-07-19.

Conditions:
EHMT1-related disorders.
Kleefstra syndrome 1 (KLEFS1). Identifiers: Orphanet 261494, MedGen C0795833, MONDO:0027407, OMIM 610253.

Submissions (4):

Blueprint Genetics
Classification: Pathogenic for EHMT1-related disorders. Last evaluated: 2022-07-19. Review status: criteria provided, single submitter. Criteria: ACMG Guidelines, 2015. Collection method: clinical testing. Allele origin: germline. Affected: yes. Observed: 1 variant allele.

CeGaT Center for Human Genetics Tuebingen
Classification: Pathogenic. Last evaluated: 2019-03-01. Review status: criteria provided, single submitter. Criteria: CeGaT Center For Human Genetics Tuebingen Variant Classification Criteria Version 2. Collection method: clinical testing. Allele origin: germline. Affected: yes. Observed: 1 variant allele.

Baylor Genetics
Classification: Pathogenic for Kleefstra syndrome 1. Last evaluated: 2018-06-21. Review status: criteria provided, single submitter. Criteria: ACMG Guidelines, 2015. Collection method: clinical testing. Allele origin: unknown. Affected: yes.
Comment: This variant was determined to be pathogenic according to ACMG Guidelines, 2015 [PMID:25741868].

GeneDx
Classification: Pathogenic. Last evaluated: 2017-01-10. Review status: criteria provided, single submitter. Criteria: GeneDx Variant Classification (06012015). Collection method: clinical testing. Allele origin: germline. Affected: yes.
Comment: The c.1061_1062delAG variant in the EHMT1 gene has not been reported previously as a pathogenic variant nor as a benign variant, to our knowledge. The c.1061_1062delAG variant causes a frameshift starting with codon Glutamic acid 354, changes this amino acid to a Glycine residue, and creates a premature Stop codon at position 32 of the new reading frame, denoted p.Glu354GlyfsX32. This variant is predicted to cause loss of normal protein function either through protein truncation or nonsense-mediated mRNA decay. The c.1061_1062delAG variant was not observed in approximately 6500 individuals of European and African American ancestry in the NHLBI Exome Sequencing Project, indicating it is not a common benign variant in these populations. We interpret c.1061_1062delAG as a pathogenic variant.

NM_024757.5(EHMT1):c.1061_1062del (p.Glu354fs)

Gene: EHMT1 (euchromatic histone lysine methyltransferase 1; plus strand). Cytogenetic location: 9q34.3.
Variant type: Microsatellite.
Coding change: c.1061_1062del on transcript NM_024757.5 (MANE Select); coding-DNA positions 1061 to 1062, 2 bases deleted (AG; older notation c.1061_1062delAG).
Protein change: p.Glu354fs; shifts the reading frame from glutamic acid 354.
Molecular consequence: frameshift variant.
Genome position (GRCh38, 1-based): chr9:137,743,981-137,743,982, AG deleted; deleting any 2 consecutive bases within chr9:137,743,979-137,743,982 gives the same sequence; the c. name uses the placement nearest the transcript's 3' end. VCF-style (leftmost placement, unchanged base first): chr9-137743978-CAG-C. GRCh37 (hg19) VCF-style: chr9-140638430-CAG-C.
Other names: c.1061_1062del, p.Glu354fs (NM_001145527.2, NM_001354611.2); c.968_969del, p.Glu323fs (NM_001354259.2, NM_001354612.2); c.1040_1041del, p.Glu347fs (NM_001354263.2); short protein forms E354fs, E323fs, E347fs.
Identifiers: ClinVar variation 422908 (VCV000422908.45), dbSNP rs1064796085, ClinGen allele CA16618816.